The following is an entry in ClinVar:

ClinVar aggregate classification (germline): Uncertain significance (1 of 4 stars; one submission).

Conditions:
Hereditary sensory and autonomic neuropathy type 7. Also called: Neuropathy, hereditary sensory and autonomic, type VII; HSAN VII. Identifiers: Orphanet 391397, MedGen C3809882, MONDO:0014244, OMIM 615548.
Familial episodic pain syndrome with predominantly lower limb involvement. Also called: Episodic pain syndrome, familial, 3. Identifiers: Orphanet 391384, Orphanet 391392, MedGen C3809899, MONDO:0014247, OMIM 615552.

Submission:

Labcorp Genetics (formerly Invitae), Labcorp
Classification: Uncertain significance for Familial episodic pain syndrome with predominantly lower limb involvement; Hereditary sensory and autonomic neuropathy type 7. Last evaluated: 2020-05-24. Review status: criteria provided, single submitter. Criteria: Invitae Variant Classification Sherloc (09022015). Collection method: clinical testing. Allele origin: germline.
Comment: This variant is not present in population databases (ExAC no frequency). In summary, the available evidence is currently insufficient to determine the role of this variant in disease. Therefore, it has been classified as a Variant of Uncertain Significance. The current clinical and genetic evidence is not sufficient to establish whether loss-of-function variants in SCN11A cause disease. This variant has not been reported in the literature in individuals with SCN11A-related conditions. This sequence change creates a premature translational stop signal (p.Arg571Glufs*3) in the SCN11A gene. It is expected to result in an absent or disrupted protein product.

NM_001349253.2(SCN11A):c.1710del (p.Arg571fs)

Gene: SCN11A (sodium voltage-gated channel alpha subunit 11; minus strand). Cytogenetic location: 3p22.2.
Variant type: Deletion.
Coding change: c.1710del on transcript NM_001349253.2 (MANE Select); coding-DNA position 1710, one base deleted (G; older notation c.1710delG).
Protein change: p.Arg571fs; shifts the reading frame from arginine 571.
Molecular consequence: frameshift variant.
Genome position (GRCh38, 1-based): chr3:38,903,997, C deleted on the plus strand (G on the coding strand, the reverse complement: SCN11A is on the minus strand). VCF-style (leftmost placement, unchanged base first): chr3-38903996-TC-T. GRCh37 (hg19) VCF-style: chr3-38945487-TC-T.
Other names: c.1710del, p.Arg571fs (NM_014139.3); short protein forms R571fs.
Identifiers: ClinVar variation 1007402 (VCV001007402.5), dbSNP rs2065747731, ClinGen allele CA1358721524.